The following is an entry in ClinVar:

ClinVar aggregate classification (germline): Uncertain significance (1 of 4 stars; one submission).

Conditions:
COG7 congenital disorder of glycosylation (CDG2E). Also called: CONGENITAL DISORDER OF GLYCOSYLATION, TYPE IIe; CDG IIe. Identifiers: Orphanet 79333, MedGen C2931010, MONDO:0012118, OMIM 608779.

Allele frequency attached by ClinVar (database versions not stated): gnomAD exomes below 0.00001 and 0.00001; gnomAD 0.00001.
gnomAD v4.1: 3 of 1,614,036 alleles (0.00019%); highest among the groups gnomAD compares: Admixed American, 0.0017%; no homozygotes.

Submission:

Labcorp Genetics (formerly Invitae), Labcorp
Classification: Uncertain significance for COG7 congenital disorder of glycosylation. Last evaluated: 2024-02-17. Review status: criteria provided, single submitter. Criteria: Invitae Variant Classification Sherloc (09022015). Collection method: clinical testing. Allele origin: germline.
Comment: This sequence change replaces threonine, which is neutral and polar, with isoleucine, which is neutral and non-polar, at codon 764 of the COG7 protein (p.Thr764Ile). This variant is present in population databases (no rsID available, gnomAD 0.003%). This variant has not been reported in the literature in individuals affected with COG7-related conditions. ClinVar contains an entry for this variant (Variation ID: 1392290). Advanced modeling of protein sequence and biophysical properties (such as structural, functional, and spatial information, amino acid conservation, physicochemical variation, residue mobility, and thermodynamic stability) performed at Invitae indicates that this missense variant is not expected to disrupt COG7 protein function with a negative predictive value of 80%. In summary, the available evidence is currently insufficient to determine the role of this variant in disease. Therefore, it has been classified as a Variant of Uncertain Significance.

NM_153603.4(COG7):c.2291C>T (p.Thr764Ile)

Gene: COG7 (component of oligomeric golgi complex 7; minus strand). Cytogenetic location: 16p12.2.
Variant type: single nucleotide variant.
Coding change: c.2291C>T on transcript NM_153603.4 (MANE Select); coding-DNA position 2291, C replaced by T.
Protein change: p.Thr764Ile; replaces threonine 764 with isoleucine.
Molecular consequence: missense variant.
Genome position (GRCh38, 1-based): chr16:23,388,942, G>A on the plus strand (C>T on the coding strand, the complement: COG7 is on the minus strand). VCF-style: chr16-23388942-G-A. GRCh37 (hg19) VCF-style: chr16-23400263-G-A.
Other names: short protein forms T764I.
Identifiers: ClinVar variation 1392290 (VCV001392290.4), dbSNP rs1299896596, ClinGen allele CA395115751.